The following is an entry in ClinVar:

ClinVar aggregate classification (germline): Uncertain significance (1 of 4 stars; one submission).

Conditions:
Hereditary diffuse gastric adenocarcinoma (HDGC). Also called: DIFFUSE GASTRIC AND LOBULAR BREAST CANCER SYNDROME. Identifiers: Orphanet 26106, MedGen C1708349, MONDO:0007648, OMIM 137215.

Submission:

Labcorp Genetics (formerly Invitae), Labcorp
Classification: Uncertain significance for Hereditary diffuse gastric adenocarcinoma. Last evaluated: 2021-11-05. Review status: criteria provided, single submitter. Criteria: Invitae Variant Classification Sherloc (09022015). Collection method: clinical testing. Allele origin: germline.
Comment: This variant has not been reported in the literature in individuals affected with CDH1-related conditions. This variant is not present in population databases (gnomAD no frequency). This sequence change replaces glycine, which is neutral and non-polar, with glutamic acid, which is acidic and polar, at codon 239 of the CDH1 protein (p.Gly239Glu). In summary, the available evidence is currently insufficient to determine the role of this variant in disease. Therefore, it has been classified as a Variant of Uncertain Significance. This variant disrupts the p.Gly239 amino acid residue in CDH1. Other variant(s) that disrupt this residue have been determined to be pathogenic (PMID: 17221870, 17545690, 23264079, 26681312, 26845104, 28873162). This suggests that this residue is clinically significant, and that variants that disrupt this residue are likely to be disease-causing. Algorithms developed to predict the effect of missense changes on protein structure and function are either unavailable or do not agree on the potential impact of this missense change (SIFT: "Deleterious"; PolyPhen-2: "Probably Damaging"; Align-GVGD: "Class C0").

Literature cited by the submitters: PubMed 17221870; PubMed 17545690; PubMed 23264079; PubMed 26681312; PubMed 26845104; PubMed 28873162.

NM_004360.5(CDH1):c.716G>A (p.Gly239Glu)

Gene: CDH1 (cadherin 1; plus strand). Cytogenetic location: 16q22.1.
Variant type: single nucleotide variant.
Coding change: c.716G>A on transcript NM_004360.5 (MANE Select); coding-DNA position 716, G replaced by A.
Protein change: p.Gly239Glu; replaces glycine 239 with glutamic acid.
Molecular consequence: missense variant. On other transcripts: 5 prime UTR variant (2).
Genome position (GRCh38, 1-based): chr16:68,810,225, G>A. VCF-style: chr16-68810225-G-A. GRCh37 (hg19) VCF-style: chr16-68844128-G-A.
Other names: c.716G>A, p.Gly239Glu (NM_001317184.2); c.-900G>A (NM_001317185.2); c.-1104G>A (NM_001317186.2); short protein forms G239E.
Identifiers: ClinVar variation 1476584 (VCV001476584.6), dbSNP rs2152131027, ClinGen allele CA396458449.